The following is an entry in ClinVar:

NM_007327.4(GRIN1):c.755G>A (p.Arg252His)

Gene: GRIN1 (glutamate ionotropic receptor NMDA type subunit 1; plus strand). Cytogenetic location: 9q34.3.
Variant type: single nucleotide variant.
Coding change: c.755G>A on transcript NM_007327.4 (MANE Select); coding-DNA position 755, G replaced by A.
Protein change: p.Arg252His; replaces arginine 252 with histidine.
Molecular consequence: missense variant.
Genome position (GRCh38, 1-based): chr9:137,156,752, G>A. VCF-style: chr9-137156752-G-A. GRCh37 (hg19) VCF-style: chr9-140051204-G-A.
Other names: c.755G>A, p.Arg252His (NM_021569.4, NM_000832.7); c.818G>A, p.Arg273His (NM_001185090.2, NM_001185091.2); short protein forms R252H, R273H.
Identifiers: ClinVar variation 3643397 (VCV003643397.2).
Genomic context (GRCh38, chr9:137,156,752, plus strand): 5'-ACCGCGCAGCCGCGATGCTGAACATGACGGGCTCCGGGTACGTGTGGCTGGTCGGCGAGC[G>A]CGAGATCTCGGGGAACGCCCTGCGCTACGCCCCAGACGGTGAGTGCTGGGCCTTGGCGGG-3'
Protein context (NP_015566.1, residues 242-262): GSGYVWLVGE[Arg252His]EISGNALRYA

ClinVar aggregate classification (germline): Uncertain significance (1 of 4 stars; one submission).

Conditions:
Neurodevelopmental disorder with or without hyperkinetic movements and seizures, autosomal dominant. Also called: Intellectual disability, autosomal dominant 8. Identifiers: MedGen C3280282, MONDO:0013655, OMIM 614254.

Submission:

Labcorp Genetics (formerly Invitae), Labcorp
Classification: Uncertain significance for Neurodevelopmental disorder with or without hyperkinetic movements and seizures, autosomal dominant. Last evaluated: 2024-04-29. Review status: criteria provided, single submitter. Criteria: Invitae Variant Classification Sherloc (09022015). Collection method: clinical testing. Allele origin: germline.
Comment: This sequence change replaces arginine, which is basic and polar, with histidine, which is basic and polar, at codon 252 of the GRIN1 protein (p.Arg252His). This variant is not present in population databases (gnomAD no frequency). This variant has not been reported in the literature in individuals affected with GRIN1-related conditions. Advanced modeling of protein sequence and biophysical properties (such as structural, functional, and spatial information, amino acid conservation, physicochemical variation, residue mobility, and thermodynamic stability) has been performed at Invitae for this missense variant, however the output from this modeling did not meet the statistical confidence thresholds required to predict the impact of this variant on GRIN1 protein function. In summary, the available evidence is currently insufficient to determine the role of this variant in disease. Therefore, it has been classified as a Variant of Uncertain Significance.